The following is an entry in ClinVar:

NM_012463.4(ATP6V0A2):c.196+15T>G

Gene: ATP6V0A2 (ATPase H+ transporting V0 subunit a2; plus strand). Cytogenetic location: 12q24.31.
Variant type: single nucleotide variant.
Coding change: c.196+15T>G on transcript NM_012463.4 (MANE Select); 15 bases into the intron after coding-DNA position 196, T replaced by G.
Molecular consequence: intron variant.
Genome position (GRCh38, 1-based): chr12:123,718,716, T>G. VCF-style: chr12-123718716-T-G. GRCh37 (hg19) VCF-style: chr12-124203263-T-G.
Identifiers: ClinVar variation 514198 (VCV000514198.3), dbSNP rs1404046246, ClinGen allele CA658797973.
Genomic context (GRCh38, chr12:123,718,716, plus strand): 5'-TTTGTTGGTGAGGTGAAGAGGTGTGAAGAGCTAGAGCGAATATTGGGTAAGTTTATTTTC[T>G]GATTTAACAACTTAAATAATTACCTTTATATAGGCAAACCTTGTTCGGTTTAAAAATATT-3'

ClinVar aggregate classification (germline): Likely benign. Review status: criteria provided, multiple submitters, no conflicts (2 of 4 stars). 2 submissions from 2 submitters: Likely benign (2). Last evaluated 2024-02-25.

Conditions:
ALG9 congenital disorder of glycosylation (CDG1L). Also called: ALG9-CDG; CDG Il; CONGENITAL DISORDER OF GLYCOSYLATION, TYPE Il. Identifiers: Orphanet 79328, MedGen C2931006, MONDO:0012117, OMIM 608776.

Submissions (2):

Labcorp Genetics (formerly Invitae), Labcorp
Classification: Likely benign for ALG9 congenital disorder of glycosylation. Last evaluated: 2024-02-25. Review status: criteria provided, single submitter. Criteria: Invitae Variant Classification Sherloc (09022015). Collection method: clinical testing. Allele origin: germline.

GeneDx
Classification: Likely benign. Last evaluated: 2017-12-26. Review status: criteria provided, single submitter. Criteria: GeneDx Variant Classification (06012015). Collection method: clinical testing. Allele origin: germline. Affected: yes.
Comment: This variant is considered likely benign or benign based on one or more of the following criteria: it is a conservative change, it occurs at a poorly conserved position in the protein, it is predicted to be benign by multiple in silico algorithms, and/or has population frequency not consistent with disease.